The following is an entry in ClinVar:

NM_004304.5(ALK):c.3877G>A (p.Val1293Ile)

Gene: ALK (ALK receptor tyrosine kinase; minus strand). Cytogenetic location: 2p23.2.
Variant type: single nucleotide variant.
Coding change: c.3877G>A on transcript NM_004304.5 (MANE Select); coding-DNA position 3877, G replaced by A.
Protein change: p.Val1293Ile; replaces valine 1293 with isoleucine.
Molecular consequence: missense variant.
Genome position (GRCh38, 1-based): chr2:29,207,232, C>T on the plus strand (G>A on the coding strand, the complement: ALK is on the minus strand). VCF-style: chr2-29207232-C-T. GRCh37 (hg19) VCF-style: chr2-29430098-C-T.
Other names: c.673G>A, p.Val225Ile (NM_001353765.2); short protein forms V1293I, V225I.
Identifiers: ClinVar variation 864298 (VCV000864298.12), dbSNP rs1024193740, ClinGen allele CA44644399.
Genomic context (GRCh38, chr2:29,207,232, plus strand): 5'-ATGTGTCTGTTTTAGAAGTGAATATTCCTTCCATGAAGGCCTCTGGGGGCATCCACTTAA[C>T]TGGCAGCATGGCACAGCCTCCCTTTCTATAGTAGCTCGCCCTGTGGGGAAGGAGAGGAAA-3'
Protein context (NP_004295.2, residues 1283-1303): YRKGGCAMLP[Val1293Ile]KWMPPEAFME

ClinVar aggregate classification (germline): Uncertain significance. Review status: criteria provided, multiple submitters, no conflicts (2 of 4 stars). 3 submissions from 3 submitters: Uncertain significance (3). Last evaluated 2025-12-27.

Conditions:
Hereditary cancer-predisposing syndrome. Also called: Tumor predisposition; Hereditary Cancer Syndrome; Neoplastic Syndromes, Hereditary; Hereditary neoplastic syndrome. Identifiers: Orphanet 140162, MedGen C0027672, MeSH D009386, MONDO:0015356.
Neuroblastoma, susceptibility to, 3. Also called: ALK-Related Neuroblastic Tumor Susceptibility. Identifiers: Orphanet 635, MedGen C2751681, MONDO:0013083, OMIM 613014.

Allele frequency attached by ClinVar (database versions not stated): gnomAD exomes below 0.00001; TOPMed 0.00003; gnomAD 0.00006 and 0.00007.
gnomAD v4.1: 11 of 1,614,022 alleles (0.00068%); highest among the groups gnomAD compares: African/African-American, 0.015%; no homozygotes.

Submissions (3):

Labcorp Genetics (formerly Invitae), Labcorp
Classification: Uncertain significance for Neuroblastoma, susceptibility to, 3. Last evaluated: 2025-12-27. Review status: criteria provided, single submitter. Criteria: Invitae Variant Classification Sherloc (09022015). Collection method: clinical testing. Allele origin: germline.
Comment: This sequence change replaces valine, which is neutral and non-polar, with isoleucine, which is neutral and non-polar, at codon 1293 of the ALK protein (p.Val1293Ile). This variant is present in population databases (no rsID available, gnomAD 0.02%). This variant has not been reported in the literature in individuals affected with ALK-related conditions. ClinVar contains an entry for this variant (Variation ID: 864298). An algorithm developed to predict the effect of missense changes on protein structure and function (PolyPhen-2) suggests that this variant is likely to be disruptive. In summary, the available evidence is currently insufficient to determine the role of this variant in disease. Therefore, it has been classified as a Variant of Uncertain Significance.

Ambry Genetics
Classification: Uncertain significance for Hereditary cancer-predisposing syndrome. Last evaluated: 2024-10-14. Review status: criteria provided, single submitter. Criteria: Ambry Variant Classification Scheme 2023. Collection method: clinical testing. Allele origin: germline.
Comment: The p.V1293I variant (also known as c.3877G>A), located in coding exon 26 of the ALK gene, results from a G to A substitution at nucleotide position 3877. The valine at codon 1293 is replaced by isoleucine, an amino acid with highly similar properties. This amino acid position is highly conserved in available vertebrate species. In addition, the in silico prediction for this alteration is inconclusive. Since supporting evidence is limited at this time, the clinical significance of this alteration remains unclear.

GeneDx
Classification: Uncertain significance. Last evaluated: 2024-05-06. Review status: criteria provided, single submitter. Criteria: GeneDx Variant Classification Process June 2021. Collection method: clinical testing. Allele origin: germline. Affected: yes.
Comment: Not observed at significant frequency in large population cohorts (gnomAD); In silico analysis indicates that this missense variant does not alter protein structure/function; Has not been previously published as pathogenic or benign to our knowledge